The following is an entry in ClinVar:

ClinVar aggregate classification (germline): Uncertain significance (1 of 4 stars; one submission).

Conditions:
Hereditary cancer-predisposing syndrome. Also called: Neoplastic Syndromes, Hereditary; Tumor predisposition; Hereditary Cancer Syndrome; Hereditary neoplastic syndrome. Identifiers: Orphanet 140162, MedGen C0027672, MeSH D009386, MONDO:0015356.

Submission:

Ambry Genetics
Classification: Uncertain significance for Hereditary cancer-predisposing syndrome. Last evaluated: 2025-04-02. Review status: criteria provided, single submitter. Criteria: Ambry Variant Classification Scheme 2023. Collection method: clinical testing. Allele origin: germline.
Comment: The p.R117S variant (also known as c.351G>T), located in coding exon 2 of the CHEK2 gene, results from a G to T substitution at nucleotide position 351. The arginine at codon 117 is replaced by serine, an amino acid with dissimilar properties. This amino acid position is highly conserved in available vertebrate species. In addition, this alteration is predicted to be deleterious by in silico analysis. Since supporting evidence is limited at this time, the clinical significance of this alteration remains unclear.

NM_007194.4(CHEK2):c.351G>T (p.Arg117Ser)

Gene: CHEK2 (checkpoint kinase 2; minus strand). Cytogenetic location: 22q12.1.
Variant type: single nucleotide variant.
Coding change: c.351G>T on transcript NM_007194.4 (MANE Select); coding-DNA position 351, G replaced by T.
Protein change: p.Arg117Ser; replaces arginine 117 with serine.
Molecular consequence: missense variant.
Genome position (GRCh38, 1-based): chr22:28,725,336, C>A on the plus strand (G>T on the coding strand, the complement: CHEK2 is on the minus strand). VCF-style: chr22-28725336-C-A. GRCh37 (hg19) VCF-style: chr22-29121324-C-A.
Other names: c.480G>T, p.Arg160Ser (NM_001005735.3); c.-427G>T (NM_001257387.3); c.351G>T, p.Arg117Ser (NM_001349956.3, NM_145862.3); short protein forms R117S, R160S.
Identifiers: ClinVar variation 1732257 (VCV001732257.3), dbSNP rs2053964612, ClinGen allele CA411108190.